The following is an entry in ClinVar:

NM_000455.5(STK11):c.796A>G (p.Asn266Asp)

Gene: STK11 (serine/threonine kinase 11; plus strand). Cytogenetic location: 19p13.3.
Variant type: single nucleotide variant.
Coding change: c.796A>G on transcript NM_000455.5 (MANE Select); coding-DNA position 796, A replaced by G.
Protein change: p.Asn266Asp; replaces asparagine 266 with aspartic acid.
Molecular consequence: missense variant.
Genome position (GRCh38, 1-based): chr19:1,221,274, A>G. VCF-style: chr19-1221274-A-G. GRCh37 (hg19) VCF-style: chr19-1221273-A-G.
Other names: c.796A>G, p.Asn266Asp (NM_001407255.1); short protein forms N266D.
Identifiers: ClinVar variation 1917798 (VCV001917798.6), dbSNP rs2145427004, ClinGen allele CA402950537.

ClinVar aggregate classification (germline): Uncertain significance. Review status: criteria provided, multiple submitters, no conflicts (2 of 4 stars). 2 submissions from 2 submitters: Uncertain significance (2). Last evaluated 2025-10-01.

Conditions:
Hereditary cancer-predisposing syndrome. Also called: Neoplastic Syndromes, Hereditary; Tumor predisposition; Hereditary neoplastic syndrome; Hereditary Cancer Syndrome. Identifiers: Orphanet 140162, MedGen C0027672, MeSH D009386, MONDO:0015356.
Peutz-Jeghers syndrome (PJS). Also called: Peutz-Jeghers polyposis; Periorificial lentiginosis syndrome; POLYPOSIS, HAMARTOMATOUS INTESTINAL; POLYPS-AND-SPOTS SYNDROME. Identifiers: Orphanet 2869, MedGen C0031269, MeSH D010580, MONDO:0008280, OMIM 175200.

Allele frequency attached by ClinVar (database versions not stated): gnomAD exomes below 0.00001.
gnomAD v4.1: 1 of 1,612,092 alleles (0.000062%); highest among the groups gnomAD compares: Non-Finnish European, 0.000085%; no homozygotes.

Submissions (2):

Ambry Genetics
Classification: Uncertain significance for Hereditary cancer-predisposing syndrome. Last evaluated: 2025-10-01. Review status: criteria provided, single submitter. Criteria: Ambry Variant Classification Scheme 2023. Collection method: clinical testing. Allele origin: germline.
Comment: The p.N266D variant (also known as c.796A>G), located in coding exon 6 of the STK11 gene, results from an A to G substitution at nucleotide position 796. The asparagine at codon 266 is replaced by aspartic acid, an amino acid with highly similar properties. This amino acid position is highly conserved in available vertebrate species. In addition, this alteration is predicted to be tolerated by in silico analysis. Based on the available evidence, the clinical significance of this variant remains unclear.

Labcorp Genetics (formerly Invitae), Labcorp
Classification: Uncertain significance for Peutz-Jeghers syndrome. Last evaluated: 2022-08-27. Review status: criteria provided, single submitter. Criteria: Invitae Variant Classification Sherloc (09022015). Collection method: clinical testing. Allele origin: germline.
Comment: In summary, the available evidence is currently insufficient to determine the role of this variant in disease. Therefore, it has been classified as a Variant of Uncertain Significance. Advanced modeling of protein sequence and biophysical properties (such as structural, functional, and spatial information, amino acid conservation, physicochemical variation, residue mobility, and thermodynamic stability) performed at Invitae indicates that this missense variant is expected to disrupt STK11 protein function. This variant has not been reported in the literature in individuals affected with STK11-related conditions. This variant is not present in population databases (gnomAD no frequency). This sequence change replaces asparagine, which is neutral and polar, with aspartic acid, which is acidic and polar, at codon 266 of the STK11 protein (p.Asn266Asp).